The following is an entry in ClinVar:

NM_001276270.2(MBD4):c.31C>T (p.Leu11=)

Genes: MBD4 (methyl-CpG binding domain 4, DNA glycosylase; minus strand), LOC129937550 (ATAC-STARR-seq lymphoblastoid active region 20512; plus strand). Cytogenetic location: 3q21.3.
Variant type: single nucleotide variant.
Coding change: c.31C>T on transcript NM_001276270.2 (MANE Select); coding-DNA position 31, C replaced by T.
Protein change: p.Leu11=; no amino-acid change (leucine 11 retained).
Molecular consequence: synonymous variant.
Genome position (GRCh38, 1-based): chr3:129,439,803, G>A on the plus strand (C>T on the coding strand, the complement: MBD4 is on the minus strand). VCF-style: chr3-129439803-G-A. GRCh37 (hg19) VCF-style: chr3-129158646-G-A.
Other names: c.31C>T, p.Leu11= (NM_001276271.2, NM_001276272.2, NM_001276273.2 and 1 more transcripts).
Identifiers: ClinVar variation 1337923 (VCV001337923.35), dbSNP rs2307297, ClinGen allele CA2605630.
Genomic context (GRCh38, chr3:129,439,803, plus strand): 5'-GCGGGTCTGGGACTAGGCGCTCACTAGAGGTGACGGTGGGGGCAGCTCCGCGGTCCCCCA[G>A]ACTCAGACTCTCCAGCCCAGTCGTGCCCATCGAGCAGGGTCCGGCTGCAGCAACGAGCCC-3'
Protein context (NP_001263199.1, residues 1-21): MGTTGLESLS[Leu11=]GDRGAAPTVT

ClinVar aggregate classification (germline): Benign/Likely benign. Review status: criteria provided, multiple submitters, no conflicts (2 of 4 stars). 7 submissions from 7 submitters: Benign (1); Likely benign (5). 1 of the submissions does not count toward it. Last evaluated 2026-06-09.

Conditions:
Tumor predisposition syndrome 2 (TPDS2). Also called: MBD4-associated neoplasia syndrome (MANS); MBD4-ASSOCIATED NEOPLASIA SYNDROME; MBD4-Related Tumor Predisposition Syndrome. Identifiers: Orphanet 661526, MedGen C5774186, MONDO:0859267, OMIM 619975.
Inborn genetic diseases. Identifiers: MedGen C0950123, MeSH D030342.
MBD4-related disorder. Also called: MBD4-related condition.

Allele frequency attached by ClinVar (database versions not stated): 1000 Genomes Project 30x 0.00031; gnomAD exomes 0.00034 and 0.00052; gnomAD 0.00035 and 0.00036; TOPMed 0.00036; ESP Exome Variant Server 0.00038; 1000 Genomes Project 0.00040; ExAC 0.00043.

Submissions (7):

Myriad Genetics, Inc.
Classification: Benign for Tumor predisposition syndrome 2. Last evaluated: 2026-06-09. Review status: criteria provided, single submitter. Criteria: Myriad Autosomal Dominant, Autosomal Recessive and X-Linked Classification Criteria (2023). Collection method: clinical testing. Allele origin: unknown.
Comment: This variant is considered benign. This variant is a silent/synonymous amino acid change and it is not expected to impact splicing.

Labcorp Genetics (formerly Invitae), Labcorp
Classification: Likely benign. Last evaluated: 2026-02-02. Review status: criteria provided, single submitter. Criteria: Invitae Variant Classification Sherloc (09022015). Collection method: clinical testing. Allele origin: germline.

Ambry Genetics
Classification: Likely benign for Inborn genetic diseases. Last evaluated: 2024-11-17. Review status: criteria provided, single submitter. Criteria: Ambry Variant Classification Scheme 2023. Collection method: clinical testing. Allele origin: germline.

Blueprint Genetics
Classification: Likely benign. Last evaluated: 2024-05-30. Review status: criteria provided, single submitter. Criteria: ACMG Guidelines, 2015. Collection method: clinical testing. Allele origin: germline.

CeGaT Center for Human Genetics Tuebingen
Classification: Likely benign. Last evaluated: 2024-05-01. Review status: criteria provided, single submitter. Criteria: CeGaT Center For Human Genetics Tuebingen Variant Classification Criteria Version 2. Collection method: clinical testing. Allele origin: germline. Affected: yes. Observed: 4 variant alleles.
Comment: MBD4: BP4, BP7

Genetic Services Laboratory, University of Chicago
Classification: Likely benign. Last evaluated: 2021-05-03. Review status: criteria provided, single submitter. Criteria: ACMG Guidelines, 2015. Collection method: clinical testing. Allele origin: germline. Affected: no.

PreventionGenetics, part of Exact Sciences
Classification: Likely benign for MBD4-related condition. Last evaluated: 2021-08-06. Review status: no assertion criteria provided. Collection method: clinical testing. Allele origin: germline. Not counted in ClinVar's aggregate classification.
Comment: This variant is classified as likely benign based on ACMG/AMP sequence variant interpretation guidelines (Richards et al. 2015 PMID: 25741868, with internal and published modifications).